The following is an entry in ClinVar:

NM_001303052.2(MYT1L):c.1527C>T (p.Pro509=)

Gene: MYT1L (myelin transcription factor 1 like; minus strand). Cytogenetic location: 2p25.3.
Variant type: single nucleotide variant.
Coding change: c.1527C>T on transcript NM_001303052.2 (MANE Select); coding-DNA position 1527, C replaced by T.
Protein change: p.Pro509=; no amino-acid change (proline 509 retained).
Molecular consequence: synonymous variant.
Genome position (GRCh38, 1-based): chr2:1,917,296, G>A on the plus strand (C>T on the coding strand, the complement: MYT1L is on the minus strand). VCF-style: chr2-1917296-G-A. GRCh37 (hg19) VCF-style: chr2-1921068-G-A.
Other names: c.1527C>T, p.Pro509= (NM_001329844.2, NM_001329845.1, NM_001329851.3); c.1521C>T, p.Pro507= (NM_001329846.3, NM_001329847.2, NM_001329848.1 and 3 more transcripts); c.1527C>T (NM_001303052.1).
Identifiers: ClinVar variation 710595 (VCV000710595.12), dbSNP rs114191331, ClinGen allele CA1514218.

ClinVar aggregate classification (germline): Benign/Likely benign. Review status: criteria provided, multiple submitters, no conflicts (2 of 4 stars). 6 submissions from 6 submitters: Benign (2); Likely benign (4). Last evaluated 2026-04-09.

Conditions:
MYT1L-related disorder. Also called: MYT1L-related condition.

Allele frequency attached by ClinVar (database versions not stated): gnomAD exomes 0.00038 and 0.00089; ExAC 0.00116; ESP Exome Variant Server 0.00296; gnomAD 0.00324 and 0.00339; TOPMed 0.00362; 1000 Genomes Project 0.00479; 1000 Genomes Project 30x 0.00531.
gnomAD v4.1: 1,058 of 1,612,858 alleles (0.066%); highest among the groups gnomAD compares: African/African-American, 1.1%; 6 homozygotes.

Submissions (6):

PreventionGenetics, part of Exact Sciences
Classification: Benign for MYT1L-related condition. Last evaluated: 2026-04-09. Review status: criteria provided, single submitter. Criteria: ACMG Guidelines, 2015. Collection method: clinical testing. Allele origin: germline.
Comment: This variant is classified as benign based on ACMG/AMP sequence variant interpretation guidelines (Richards et al. 2015 PMID: 25741868, with internal and published modifications).

CeGaT Center for Human Genetics Tuebingen
Classification: Likely benign. Last evaluated: 2026-01-01. Review status: criteria provided, single submitter. Criteria: CeGaT Center For Human Genetics Tuebingen Variant Classification Criteria Version 2. Collection method: clinical testing. Allele origin: germline. Affected: yes. Observed: 1 variant allele.
Comment: MYT1L: BP4, BP7, BS1

Blueprint Genetics
Classification: Likely benign. Last evaluated: 2023-11-15. Review status: criteria provided, single submitter. Criteria: ACMG Guidelines, 2015. Collection method: clinical testing. Allele origin: germline.

GeneDx
Classification: Likely benign. Last evaluated: 2021-03-06. Review status: criteria provided, single submitter. Criteria: GeneDx Variant Classification Process June 2021. Collection method: clinical testing. Allele origin: germline. Affected: yes.

Labcorp Genetics (formerly Invitae), Labcorp
Classification: Benign. Last evaluated: 2018-07-13. Review status: criteria provided, single submitter. Criteria: Invitae Variant Classification Sherloc (09022015). Collection method: clinical testing. Allele origin: germline.

Breakthrough Genomics
Classification: Likely benign. Review status: criteria provided, single submitter. Criteria: ACMG Guidelines, 2015. Collection method: not provided. Allele origin: germline. Inheritance: Autosomal dominant inheritance. Affected: yes.